The following is an entry in ClinVar:

NM_001613.4(ACTA2):c.808+3A>G

Genes: ACTA2 (actin alpha 2, smooth muscle; minus strand), ACTA2-AS1 (ACTA2 antisense RNA 1; plus strand). Cytogenetic location: 10q23.31.
Variant type: single nucleotide variant.
Coding change: c.808+3A>G on transcript NM_001613.4 (MANE Select); 3 bases into the intron after coding-DNA position 808, A replaced by G.
Molecular consequence: intron variant. On other transcripts: non-coding transcript variant (1).
Genome position (GRCh38, 1-based): chr10:88,939,504, T>C on the plus strand (A>G on the coding strand, the complement: ACTA2 is on the minus strand). VCF-style: chr10-88939504-T-C. GRCh37 (hg19) VCF-style: chr10-90699261-T-C.
Other names: c.679+3A>G (NM_001406467.1, NM_001406468.1, NM_001406469.1); c.808+3A>G (NM_001320855.2, NM_001406462.1, NM_001141945.3 and 2 more transcripts); c.617-1262A>G (NM_001406471.1); c.697+3A>G (NM_001406466.1).
Identifiers: ClinVar variation 3385407 (VCV003385407.1).

ClinVar aggregate classification (germline): Uncertain significance (1 of 4 stars; one submission).

Conditions:
Familial thoracic aortic aneurysm and aortic dissection (TAAD). Also called: Thoracic aortic aneurysms and dissections. Identifiers: Orphanet 91387, MedGen C4707243, MONDO:0019625.

Submission:

All of Us Research Program, National Institutes of Health
Classification: Uncertain significance for Familial thoracic aortic aneurysm and aortic dissection. Last evaluated: 2024-06-09. Review status: criteria provided, single submitter. Criteria: ACMG Guidelines, 2015. Collection method: clinical testing. Allele origin: germline. Inheritance: Autosomal dominant inheritance. Observed: 1 variant allele, 1 heterozygote.
Comment: This variant causes an A to G nucleotide substitution at the +3 position of intron 7 of the ACTA2 gene. Splice site prediction tools are inconclusive regarding the impact of this variant on RNA splicing. To our knowledge, RNA studies have not been reported for this variant. This variant has not been reported in individuals affected with ACTA2-related disorders in the literature. This variant has not been identified in the general population by the Genome Aggregation Database (gnomAD). The available evidence is insufficient to determine the role of this variant in disease conclusively. Therefore, this variant is classified as a Variant of Uncertain Significance.

This study involves interpretation of variants in research participants for the purpose of population health screening. Participant phenotype was not available at the time of variant classification. Additional details can be found in publication PMID: 35346344, PMCID: PMC8962531